The following is an entry in ClinVar:

NM_024753.5(TTC21B):c.2323-18G>A

Gene: TTC21B (tetratricopeptide repeat domain 21B; minus strand). Cytogenetic location: 2q24.3.
Variant type: single nucleotide variant.
Coding change: c.2323-18G>A on transcript NM_024753.5 (MANE Select); 18 bases into the intron before coding-DNA position 2323, G replaced by A.
Molecular consequence: intron variant.
Genome position (GRCh38, 1-based): chr2:165,911,483, C>T on the plus strand (G>A on the coding strand, the complement: TTC21B is on the minus strand). VCF-style: chr2-165911483-C-T. GRCh37 (hg19) VCF-style: chr2-166767993-C-T.
Identifiers: ClinVar variation 2014339 (VCV002014339.4), dbSNP rs1320115243, ClinGen allele CA2580064294.

ClinVar aggregate classification (germline): Uncertain significance (1 of 4 stars; one submission).

Conditions:
Jeune thoracic dystrophy. Also called: Jeune syndrome; Infantile thoracic dystrophy; Thoracic pelvic phalangeal dystrophy; Jeune's syndrome; Chondroectodermal dysplasia-like syndrome; Short-rib thoracic dysplasia. Identifiers: Orphanet 474, MedGen C0265275, MONDO:0018770.
Nephronophthisis. Also called: Juvenile Nephronophthisis. Identifiers: Orphanet 655, MedGen C0687120, MONDO:0019005, HP:0000090.

Submission:

Labcorp Genetics (formerly Invitae), Labcorp
Classification: Uncertain significance for Jeune thoracic dystrophy; Nephronophthisis. Last evaluated: 2022-07-14. Review status: criteria provided, single submitter. Criteria: Invitae Variant Classification Sherloc (09022015). Collection method: clinical testing. Allele origin: germline.
Comment: This sequence change falls in intron 17 of the TTC21B gene. It does not directly change the encoded amino acid sequence of the TTC21B protein. In summary, the available evidence is currently insufficient to determine the role of this variant in disease. Therefore, it has been classified as a Variant of Uncertain Significance. Algorithms developed to predict the effect of sequence changes on RNA splicing suggest that this variant may create or strengthen a splice site. This variant has not been reported in the literature in individuals affected with TTC21B-related conditions. This variant is not present in population databases (gnomAD no frequency).